The following is an entry in ClinVar:

ClinVar aggregate classification (germline): Uncertain significance (1 of 4 stars; one submission).

Conditions:
Neurodevelopmental disorder with or without hyperkinetic movements and seizures, autosomal dominant. Also called: Intellectual disability, autosomal dominant 8. Identifiers: MedGen C3280282, MONDO:0013655, OMIM 614254.

Submission:

Labcorp Genetics (formerly Invitae), Labcorp
Classification: Uncertain significance for Neurodevelopmental disorder with or without hyperkinetic movements and seizures, autosomal dominant. Last evaluated: 2024-02-23. Review status: criteria provided, single submitter. Criteria: Invitae Variant Classification Sherloc (09022015). Collection method: clinical testing. Allele origin: germline.
Comment: This sequence change falls in intron 17 of the GRIN1 gene. It does not directly change the encoded amino acid sequence of the GRIN1 protein. This variant is not present in population databases (gnomAD no frequency). This variant has not been reported in the literature in individuals affected with GRIN1-related conditions. Experimental studies and prediction algorithms are not available or were not evaluated, and the effect of this variant on mRNA splicing is currently unknown. In summary, the available evidence is currently insufficient to determine the role of this variant in disease. Therefore, it has been classified as a Variant of Uncertain Significance.

NM_007327.4(GRIN1):c.2444-3_2470dup

Gene: GRIN1 (glutamate ionotropic receptor NMDA type subunit 1; plus strand). Cytogenetic location: 9q34.3.
Variant type: Duplication.
Coding change: c.2444-3_2470dup on transcript NM_007327.4 (MANE Select); 3 bases into the intron before coding-DNA position 2444 through coding-DNA position 2470, 30 bases duplicated (CAGGGGTCTTCATGCTGGTAGCTGGGGGCA).
Molecular consequence: splice acceptor variant.
Genome position (GRCh38, 1-based): chr9:137,163,756-137,163,785, CAGGGGTCTTCATGCTGGTAGCTGGGGGCA duplicated; duplicating any 30 consecutive bases within chr9:137,163,754-137,163,785 gives the same sequence; the c. name uses the placement nearest the transcript's 3' end. VCF-style (leftmost placement, unchanged base first): chr9-137163753-A-ACACAGGGGTCTTCATGCTGGTAGCTGGGGG. GRCh37 (hg19) VCF-style: chr9-140058205-A-ACACAGGGGTCTTCATGCTGGTAGCTGGGGG.
Other names: c.2507-3_2533dup (NM_001185090.2, NM_001185091.2); c.2444-3_2470dup (NM_021569.4, NM_000832.7).
Identifiers: ClinVar variation 3642716 (VCV003642716.2).